The following is an entry in ClinVar:

ClinVar aggregate classification (germline): Uncertain significance (1 of 4 stars; one submission).

Conditions:
FG syndrome (FGS). Identifiers: MedGen C0220769, MONDO:0002010.

Submission:

Labcorp Genetics (formerly Invitae), Labcorp
Classification: Uncertain significance for FG syndrome. Last evaluated: 2024-08-14. Review status: criteria provided, single submitter. Criteria: Invitae Variant Classification Sherloc (09022015). Collection method: clinical testing. Allele origin: germline.
Comment: This variant, c.6305_6306insACA, results in the insertion of 1 amino acid(s) of the MED12 protein (p.Gln2115dup), but otherwise preserves the integrity of the reading frame. This variant is not present in population databases (gnomAD no frequency). This variant has not been reported in the literature in individuals affected with MED12-related conditions. In summary, the available evidence is currently insufficient to determine the role of this variant in disease. Therefore, it has been classified as a Variant of Uncertain Significance.

NM_005120.3(MED12):c.6305_6306insACA (p.Gln2115_His2116insGln)

Gene: MED12 (mediator complex subunit 12; plus strand). Cytogenetic location: Xq13.1.
Variant type: Insertion.
Coding change: c.6305_6306insACA on transcript NM_005120.3 (MANE Select); coding-DNA positions 6305 to 6306, ACA inserted.
Protein change: p.Gln2115_His2116insGln.
Molecular consequence: inframe insertion.
Genome position: GRCh38 VCF-style: chrX-71141265-G-GCAA. GRCh37 (hg19) VCF-style: chrX-70361115-G-GCAA.
Identifiers: ClinVar variation 3628623 (VCV003628623.2).